The following is an entry in ClinVar:

ClinVar aggregate classification (germline): Conflicting classifications of pathogenicity. Review status: criteria provided, conflicting classifications (1 of 4 stars). 4 submissions from 4 submitters: Uncertain significance (3); Likely benign (1). Last evaluated 2026-01-31.

Conditions:
Bronchiectasis with or without elevated sweat chloride 1 (BESC1). Also called: Cystic Fibrosis-Like Syndrome. Identifiers: Orphanet 60033, MedGen C2749757, MONDO:0008887, OMIM 211400.
Pseudohypoaldosteronism, type IB2, autosomal recessive (PHA1B2). Identifiers: MedGen C5774255, MONDO:0859317, OMIM 620125.
Liddle syndrome 1 (LIDLS1). Also called: PSEUDOALDOSTERONISM. Identifiers: Orphanet 526, MedGen CN031472, MONDO:0020607, OMIM 177200.
Inborn genetic diseases. Identifiers: MedGen C0950123, MeSH D030342.
SCNN1B-related disorder. Also called: SCNN1B-related condition.

Allele frequency attached by ClinVar (database versions not stated): gnomAD 0.00007; ESP Exome Variant Server 0.00008; TOPMed 0.00012; ExAC 0.00018; gnomAD exomes 0.00020.
gnomAD v4.1: 304 of 1,614,100 alleles (0.019%); highest among the groups gnomAD compares: Non-Finnish European, 0.025%; no homozygotes.

Submissions (4):

GeneDx
Classification: Uncertain significance. Last evaluated: 2026-01-31. Review status: criteria provided, single submitter. Criteria: GeneDx Variant Classification Process June 2021. Collection method: clinical testing. Allele origin: germline.
Comment: In silico analysis suggests that this missense variant does not alter protein structure/function; Has not been previously published as pathogenic or benign to our knowledge

Ambry Genetics
Classification: Uncertain significance for Inborn genetic diseases. Last evaluated: 2024-12-09. Review status: criteria provided, single submitter. Criteria: Ambry Variant Classification Scheme 2023. Collection method: clinical testing. Allele origin: germline.

Fulgent Genetics
Classification: Uncertain significance for Liddle syndrome 1; Bronchiectasis with or without elevated sweat chloride 1; Pseudohypoaldosteronism, type IB2, autosomal recessive. Last evaluated: 2024-01-03. Review status: criteria provided, single submitter. Criteria: ACMG Guidelines, 2015. Collection method: clinical testing. Allele origin: germline.

CeGaT Center for Human Genetics Tuebingen
Classification: Likely benign. Last evaluated: 2024-01-01. Review status: criteria provided, single submitter. Criteria: CeGaT Center For Human Genetics Tuebingen Variant Classification Criteria Version 2. Collection method: clinical testing. Allele origin: germline. Affected: yes. Observed: 1 variant allele.
Comment: SCNN1B: BP4

NM_000336.3(SCNN1B):c.153G>A (p.Met51Ile)

Gene: SCNN1B (sodium channel epithelial 1 subunit beta; plus strand). Cytogenetic location: 16p12.2.
Variant type: single nucleotide variant.
Coding change: c.153G>A on transcript NM_000336.3 (MANE Select); coding-DNA position 153, G replaced by A.
Protein change: p.Met51Ile; replaces methionine 51 with isoleucine.
Molecular consequence: missense variant.
Genome position (GRCh38, 1-based): chr16:23,348,752, G>A. VCF-style: chr16-23348752-G-A. GRCh37 (hg19) VCF-style: chr16-23360073-G-A.
Other names: c.153G>A, p.Met51Ile (NM_001410900.1); c.153G>A (NM_000336.2); short protein forms M51I.
Identifiers: ClinVar variation 3025040 (VCV003025040.26), dbSNP rs372994709, ClinGen allele CA7960073.